The following is an entry in ClinVar:

ClinVar aggregate classification (germline): Uncertain significance (1 of 4 stars; one submission).

Submission:

Labcorp Genetics (formerly Invitae), Labcorp
Classification: Uncertain significance. Last evaluated: 2023-02-13. Review status: criteria provided, single submitter. Criteria: Invitae Variant Classification Sherloc (09022015). Collection method: clinical testing. Allele origin: germline.
Comment: In summary, the available evidence is currently insufficient to determine the role of this variant in disease. Therefore, it has been classified as a Variant of Uncertain Significance. This sequence change replaces lysine, which is basic and polar, with arginine, which is basic and polar, at codon 713 of the MSH3 protein (p.Lys713Arg). This variant is not present in population databases (gnomAD no frequency). This variant has not been reported in the literature in individuals affected with MSH3-related conditions. Algorithms developed to predict the effect of missense changes on protein structure and function (SIFT, PolyPhen-2, Align-GVGD) all suggest that this variant is likely to be tolerated. Algorithms developed to predict the effect of sequence changes on RNA splicing suggest that this variant may disrupt the consensus splice site.

NM_002439.5(MSH3):c.2138A>G (p.Lys713Arg)

Gene: MSH3 (mutS homolog 3; plus strand). Cytogenetic location: 5q14.1.
Variant type: single nucleotide variant.
Coding change: c.2138A>G on transcript NM_002439.5 (MANE Select); coding-DNA position 2138, A replaced by G.
Protein change: p.Lys713Arg; replaces lysine 713 with arginine.
Molecular consequence: missense variant.
Genome position (GRCh38, 1-based): chr5:80,768,888, A>G. VCF-style: chr5-80768888-A-G. GRCh37 (hg19) VCF-style: chr5-80064707-A-G.
Other names: short protein forms K713R.
Identifiers: ClinVar variation 2836570 (VCV002836570.3), dbSNP rs2546774242, ClinGen allele CA360279359.
Genomic context (GRCh38, chr5:80,768,888, plus strand): 5'-TTTTTAGAGTTGGGGATAAAACTGAATTATTTAAAGACCTTTCTGACTTCCCTTTAATAA[A>G]AAAGAGGAAGGATGAAATTCAAGGTGTTATTGACGAGATCCGAATGCATTTGCAAGAAAT-3'
Protein context (NP_002430.3, residues 703-723): FKDLSDFPLI[Lys713Arg]KRKDEIQGVI